The following is an entry in ClinVar:

ClinVar aggregate classification (germline): Benign/Likely benign. Review status: criteria provided, multiple submitters, no conflicts (2 of 4 stars). 3 submissions from 3 submitters: Benign (1); Likely benign (2). Last evaluated 2026-08-11.

Conditions:
ASXL1-related disorder. Also called: ASXL1-related disorders; ASXL1-related condition.
Inborn genetic diseases. Identifiers: MedGen C0950123, MeSH D030342.

Allele frequency attached by ClinVar (database versions not stated): ExAC 0.00002; gnomAD exomes 0.00005; gnomAD 0.00015; TOPMed 0.00018.
gnomAD v4.1: 64 of 1,613,688 alleles (0.004%); highest among the groups gnomAD compares: African/African-American, 0.064%; no homozygotes.

Submissions (3):

PreventionGenetics, part of Exact Sciences
Classification: Likely benign for ASXL1-related condition. Last evaluated: 2026-08-11. Review status: criteria provided, single submitter. Criteria: ACMG Guidelines, 2015. Collection method: clinical testing. Allele origin: germline.
Comment: This variant is classified as likely benign based on ACMG/AMP sequence variant interpretation guidelines (Richards et al. 2015 PMID: 25741868, with internal and published modifications).

Labcorp Genetics (formerly Invitae), Labcorp
Classification: Benign. Last evaluated: 2026-01-31. Review status: criteria provided, single submitter. Criteria: Invitae Variant Classification Sherloc (09022015). Collection method: clinical testing. Allele origin: germline.

Ambry Genetics
Classification: Likely benign for Inborn genetic diseases. Last evaluated: 2024-11-23. Review status: criteria provided, single submitter. Criteria: Ambry Variant Classification Scheme 2023. Collection method: clinical testing. Allele origin: germline.

NM_015338.6(ASXL1):c.3675A>T (p.Lys1225Asn)

Gene: ASXL1 (ASXL transcriptional regulator 1; plus strand). Cytogenetic location: 20q11.21.
Variant type: single nucleotide variant.
Coding change: c.3675A>T on transcript NM_015338.6 (MANE Select); coding-DNA position 3675, A replaced by T.
Protein change: p.Lys1225Asn; replaces lysine 1225 with asparagine.
Molecular consequence: missense variant.
Genome position (GRCh38, 1-based): chr20:32,436,387, A>T. VCF-style: chr20-32436387-A-T. GRCh37 (hg19) VCF-style: chr20-31024190-A-T.
Other names: c.3492A>T, p.Lys1164Asn (NM_001363734.1); c.3675A>T (NM_015338.5); short protein forms K1164N, K1225N.
Identifiers: ClinVar variation 1599363 (VCV001599363.11), dbSNP rs753682901, ClinGen allele CA9808875.
Genomic context (GRCh38, chr20:32,436,387, plus strand): 5'-GGCAGTCCCAAGTTTTGACTCCCTCCATCCAGTGACAAATCCCATTACATCCTCTAGGAA[A>T]CTGGAAGAAATGGATTCCAAAGAGCAGTTCTCTTCCTTTAGTTGTGAAGATCAGAAGGAA-3'
Protein context (NP_056153.2, residues 1215-1235): PVTNPITSSR[Lys1225Asn]LEEMDSKEQF